The following is an entry in ClinVar:

NM_017654.4(SAMD9):c.1724G>A (p.Cys575Tyr)

Gene: SAMD9 (sterile alpha motif domain containing 9; minus strand). Cytogenetic location: 7q21.2.
Variant type: single nucleotide variant.
Coding change: c.1724G>A on transcript NM_017654.4 (MANE Select); coding-DNA position 1724, G replaced by A.
Protein change: p.Cys575Tyr; replaces cysteine 575 with tyrosine.
Molecular consequence: missense variant.
Genome position (GRCh38, 1-based): chr7:93,104,374, C>T on the plus strand (G>A on the coding strand, the complement: SAMD9 is on the minus strand). VCF-style: chr7-93104374-C-T. GRCh37 (hg19) VCF-style: chr7-92733687-C-T.
Other names: c.1724G>A, p.Cys575Tyr (NM_001193307.2); short protein forms C575Y.
Identifiers: ClinVar variation 4843130 (VCV004843130.2).

ClinVar aggregate classification (germline): Uncertain significance. Review status: criteria provided, multiple submitters, no conflicts (2 of 4 stars). 2 submissions from 2 submitters: Uncertain significance (2). Last evaluated 2026-01-04.

Conditions:
Inborn genetic diseases. Identifiers: MedGen C0950123, MeSH D030342.
SAMD9-related disorder. Also called: SAMD9-related condition.

gnomAD v4.1: 2 of 1,613,760 alleles (0.00012%); highest among the groups gnomAD compares: South Asian, 0.0011%; no homozygotes.

Submissions (2):

Ambry Genetics
Classification: Uncertain significance for Inborn genetic diseases. Last evaluated: 2026-01-04. Review status: criteria provided, single submitter. Criteria: Ambry Variant Classification Scheme 2023. Collection method: clinical testing. Allele origin: germline.
Comment: The p.C575Y variant (also known as c.1724G>A), located in coding exon 1 of the SAMD9 gene, results from a G to A substitution at nucleotide position 1724. The cysteine at codon 575 is replaced by tyrosine, an amino acid with highly dissimilar properties. This amino acid position is conserved. In addition, this alteration is predicted to be tolerated by in silico analysis. Based on the available evidence, the clinical significance of this variant remains unclear.

PreventionGenetics, part of Exact Sciences
Classification: Uncertain significance for SAMD9-related condition. Last evaluated: 2025-01-06. Review status: criteria provided, single submitter. Criteria: ACMG Guidelines, 2015. Collection method: clinical testing. Allele origin: germline.
Comment: The SAMD9 c.1724G>A variant is predicted to result in the amino acid substitution p.Cys575Tyr. To our knowledge, this variant has not been reported in the literature or in a large population database (gnomAD), indicating this variant is rare. At this time, the clinical significance of this variant is uncertain due to the absence of conclusive functional and genetic evidence.